The following is an entry in ClinVar:

ClinVar aggregate classification (germline): Uncertain significance. Review status: criteria provided, multiple submitters, no conflicts (2 of 4 stars). 2 submissions from 2 submitters: Uncertain significance (2). Last evaluated 2025-10-01.

Conditions:
Inborn genetic diseases. Identifiers: MedGen C0950123, MeSH D030342.

Allele frequency attached by ClinVar (database versions not stated): gnomAD 0.00001; ExAC 0.00002; gnomAD exomes 0.00002 and 0.00004; TOPMed 0.00003.
gnomAD v4.1: 14 of 1,614,220 alleles (0.00087%); highest among the groups gnomAD compares: Admixed American, 0.023%; no homozygotes.

Submissions (2):

Labcorp Genetics (formerly Invitae), Labcorp
Classification: Uncertain significance. Last evaluated: 2025-10-01. Review status: criteria provided, single submitter. Criteria: Invitae Variant Classification Sherloc (09022015). Collection method: clinical testing. Allele origin: germline.
Comment: This sequence change replaces threonine, which is neutral and polar, with alanine, which is neutral and non-polar, at codon 241 of the ADAMTS18 protein (p.Thr241Ala). This variant is present in population databases (rs747096252, gnomAD 0.03%). This variant has not been reported in the literature in individuals affected with ADAMTS18-related conditions. ClinVar contains an entry for this variant (Variation ID: 933863). An algorithm developed to predict the effect of missense changes on protein structure and function (PolyPhen-2) suggests that this variant is likely to be tolerated. In summary, the available evidence is currently insufficient to determine the role of this variant in disease. Therefore, it has been classified as a Variant of Uncertain Significance.

Ambry Genetics
Classification: Uncertain significance for Inborn genetic diseases. Last evaluated: 2023-12-07. Review status: criteria provided, single submitter. Criteria: Ambry Variant Classification Scheme 2023. Collection method: clinical testing. Allele origin: germline.

NM_199355.4(ADAMTS18):c.721A>G (p.Thr241Ala)

Gene: ADAMTS18 (ADAM metallopeptidase with thrombospondin type 1 motif 18; minus strand). Cytogenetic location: 16q23.1.
Variant type: single nucleotide variant.
Coding change: c.721A>G on transcript NM_199355.4 (MANE Select); coding-DNA position 721, A replaced by G.
Protein change: p.Thr241Ala; replaces threonine 241 with alanine.
Molecular consequence: missense variant. On other transcripts: synonymous variant (1).
Genome position (GRCh38, 1-based): chr16:77,367,498, T>C on the plus strand (A>G on the coding strand, the complement: ADAMTS18 is on the minus strand). VCF-style: chr16-77367498-T-C. GRCh37 (hg19) VCF-style: chr16-77401395-T-C.
Other names: c.721A>G (NM_199355.2); c.201A>G, p.Arg67= (NM_001326358.2); short protein forms T241A.
Identifiers: ClinVar variation 933863 (VCV000933863.8), dbSNP rs747096252, ClinGen allele CA8181582.